The following is an entry in ClinVar:

NM_000059.4(BRCA2):c.80_82del (p.Ile27del)

Gene: BRCA2 (BRCA2 DNA repair associated; plus strand). Cytogenetic location: 13q13.1.
Variant type: Deletion.
Coding change: c.80_82del on transcript NM_000059.4 (MANE Select); coding-DNA positions 80 to 82, 3 bases deleted (TAA; older notation c.80_82delTAA).
Protein change: p.Ile27del; deletes isoleucine 27.
Molecular consequence: inframe deletion.
Genome position (GRCh38, 1-based): chr13:32,319,089-32,319,091, TAA deleted; deleting any 3 consecutive bases within chr13:32,319,087-32,319,091 gives the same sequence; the c. name uses the placement nearest the transcript's 3' end. VCF-style (leftmost placement, unchanged base first): chr13-32319086-CAAT-C. GRCh37 (hg19) VCF-style: chr13-32893223-CAAT-C.
Other names: c.80_82delTAA (NM_000059.3); short protein forms I27del.
Identifiers: ClinVar variation 570498 (VCV000570498.12), dbSNP rs1566215674, ClinGen allele CA891844483.

ClinVar aggregate classification (germline): Uncertain significance. Review status: criteria provided, multiple submitters, no conflicts (2 of 4 stars). 2 submissions from 2 submitters: Uncertain significance (2). Last evaluated 2026-01-25.

Conditions:
Hereditary breast ovarian cancer syndrome. Also called: Hereditary breast and ovarian cancer syndrome; Breast and ovarian cancer; Hereditary breast and ovarian cancer; Hereditary breast and/or ovarian cancer syndrome; Hereditary breast and ovarian cancer syndrome (HBOC); BRCA1- and BRCA2-Associated Hereditary Breast and Ovarian Cancer. Identifiers: Orphanet 145, MedGen C0677776, MeSH D061325, MONDO:0003582. Disease mechanism: loss of function.
Familial cancer of breast. Also called: hereditary breast carcinoma; BREAST CANCER, FAMILIAL; Hereditary breast cancer. Identifiers: Orphanet 227535, MedGen C0346153, MONDO:0016419, OMIM 114480. Disease mechanism: loss of function.

Submissions (2):

Labcorp Genetics (formerly Invitae), Labcorp
Classification: Uncertain significance for Hereditary breast ovarian cancer syndrome. Last evaluated: 2026-01-25. Review status: criteria provided, single submitter. Criteria: Invitae Variant Classification Sherloc (09022015). Collection method: clinical testing. Allele origin: germline.
Comment: This variant, c.80_82del, results in the deletion of 1 amino acid(s) of the BRCA2 protein (p.Ile27del), but otherwise preserves the integrity of the reading frame. This variant is not present in population databases (gnomAD no frequency). This variant has not been reported in the literature in individuals affected with BRCA2-related conditions. ClinVar contains an entry for this variant (Variation ID: 570498). Experimental studies and prediction algorithms are not available or were not evaluated, and the functional significance of this variant is currently unknown. In summary, the available evidence is currently insufficient to determine the role of this variant in disease. Therefore, it has been classified as a Variant of Uncertain Significance.

Baylor Genetics
Classification: Uncertain significance for Familial cancer of breast. Last evaluated: 2023-12-15. Review status: criteria provided, single submitter. Criteria: ACMG Guidelines, 2015. Collection method: clinical testing. Allele origin: unknown.